The following is an entry in ClinVar:

ClinVar aggregate classification (germline): Uncertain significance (1 of 4 stars; one submission).

Submission:

Greenwood Genetic Center Diagnostic Laboratories, Greenwood Genetic Center
Classification: Uncertain significance. Last evaluated: 2025-02-28. Review status: criteria provided, single submitter. Criteria: ACMG Guidelines, 2015. Collection method: clinical testing. Allele origin: germline.
Comment: PM2

NM_001134382.3(IQSEC1):c.458C>T (p.Ser153Leu)

Gene: IQSEC1 (IQ motif and Sec7 domain ArfGEF 1; minus strand). Cytogenetic location: 3p25.2.
Variant type: single nucleotide variant.
Coding change: c.458C>T on transcript NM_001134382.3 (MANE Select); coding-DNA position 458, C replaced by T.
Protein change: p.Ser153Leu; replaces serine 153 with leucine.
Molecular consequence: missense variant.
Genome position (GRCh38, 1-based): chr3:12,936,558, G>A on the plus strand (C>T on the coding strand, the complement: IQSEC1 is on the minus strand). VCF-style: chr3-12936558-G-A. GRCh37 (hg19) VCF-style: chr3-12978058-G-A.
Other names: c.134C>T, p.Ser45Leu (NM_001330619.3); c.782C>T, p.Ser261Leu (NM_001376938.2); c.500C>T, p.Ser167Leu (NM_014869.8); short protein forms S153L, S167L, S261L, S45L.
Identifiers: ClinVar variation 4850824 (VCV004850824.1).